The following is an entry in ClinVar:

ClinVar aggregate classification (germline): Uncertain significance (1 of 4 stars; one submission).

gnomAD v4.1: 1 of 1,594,194 alleles (0.000063%); highest among the groups gnomAD compares: Non-Finnish European, 0.000085%; no homozygotes.

Submission:

Labcorp Genetics (formerly Invitae), Labcorp
Classification: Uncertain significance. Last evaluated: 2023-08-28. Review status: criteria provided, single submitter. Criteria: Invitae Variant Classification Sherloc (09022015). Collection method: clinical testing. Allele origin: germline.
Comment: This sequence change falls in intron 21 of the A2ML1 gene. It does not directly change the encoded amino acid sequence of the A2ML1 protein. It affects a nucleotide within the consensus splice site. This variant is not present in population databases (gnomAD no frequency). This variant has not been reported in the literature in individuals affected with A2ML1-related conditions. Variants that disrupt the consensus splice site are a relatively common cause of aberrant splicing (PMID: 17576681, 9536098). Algorithms developed to predict the effect of sequence changes on RNA splicing suggest that this variant may disrupt the consensus splice site. In summary, the available evidence is currently insufficient to determine the role of this variant in disease. Therefore, it has been classified as a Variant of Uncertain Significance.

Literature cited by the submitters: PubMed 17576681; PubMed 9536098.

NM_144670.6(A2ML1):c.2712+3G>A

Gene: A2ML1 (alpha-2-macroglobulin like 1; plus strand). Cytogenetic location: 12p13.31.
Variant type: single nucleotide variant.
Coding change: c.2712+3G>A on transcript NM_144670.6 (MANE Select); 3 bases into the intron after coding-DNA position 2712, G replaced by A.
Molecular consequence: intron variant.
Genome position (GRCh38, 1-based): chr12:8,854,252, G>A. VCF-style: chr12-8854252-G-A. GRCh37 (hg19) VCF-style: chr12-9006848-G-A.
Other names: c.1239+3G>A (NM_001282424.3).
Identifiers: ClinVar variation 2755854 (VCV002755854.3), dbSNP rs1943986611, ClinGen allele CA2617512925.